The following is an entry in ClinVar:

ClinVar aggregate classification (germline): Likely benign. Review status: criteria provided, multiple submitters, no conflicts (2 of 4 stars). 2 submissions from 2 submitters: Likely benign (2). Last evaluated 2026-05-12.

Conditions:
DNAJC13-related disorder. Also called: DNAJC13-related condition.

Allele frequency attached by ClinVar (database versions not stated): 1000 Genomes Project 30x 0.00031; 1000 Genomes Project 0.00040; TOPMed 0.00066; gnomAD 0.00076; ExAC 0.00080; gnomAD exomes 0.00095; ESP Exome Variant Server 0.00154.
gnomAD v4.1: 1,521 of 1,614,188 alleles (0.094%); highest among the groups gnomAD compares: Non-Finnish European, 0.11%; 2 homozygotes.

Submissions (2):

PreventionGenetics, part of Exact Sciences
Classification: Likely benign for DNAJC13-related condition. Last evaluated: 2026-05-12. Review status: criteria provided, single submitter. Criteria: ACMG Guidelines, 2015. Collection method: clinical testing. Allele origin: germline.
Comment: This variant is classified as likely benign based on ACMG/AMP sequence variant interpretation guidelines (Richards et al. 2015 PMID: 25741868, with internal and published modifications).

CeGaT Center for Human Genetics Tuebingen
Classification: Likely benign. Last evaluated: 2022-10-01. Review status: criteria provided, single submitter. Criteria: CeGaT Center For Human Genetics Tuebingen Variant Classification Criteria Version 2. Collection method: clinical testing. Allele origin: germline. Affected: yes. Observed: 1 variant allele.
Comment: DNAJC13: BS1

NM_015268.4(DNAJC13):c.6169G>T (p.Ala2057Ser)

Gene: DNAJC13 (DnaJ heat shock protein family (Hsp40) member C13; plus strand). Cytogenetic location: 3q22.1.
Variant type: single nucleotide variant.
Coding change: c.6169G>T on transcript NM_015268.4 (MANE Select); coding-DNA position 6169, G replaced by T.
Protein change: p.Ala2057Ser; replaces alanine 2057 with serine.
Molecular consequence: missense variant.
Genome position (GRCh38, 1-based): chr3:132,525,718, G>T. VCF-style: chr3-132525718-G-T. GRCh37 (hg19) VCF-style: chr3-132244562-G-T.
Other names: c.6184G>T, p.Ala2062Ser (NM_001329126.2); c.6169G>T (NM_015268.3); short protein forms A2057S, A2062S.
Identifiers: ClinVar variation 2654158 (VCV002654158.25), dbSNP rs138693725, ClinGen allele CA2620053.